The following is an entry in ClinVar:

ClinVar aggregate classification (germline): Uncertain significance. Review status: criteria provided, multiple submitters, no conflicts (2 of 4 stars). 6 submissions from 6 submitters: Uncertain significance (4). 2 of the submissions do not count toward it. Last evaluated 2025-03-22.

Conditions:
Retinal dystrophy. Also called: Inherited retinal dystrophy. Identifiers: Orphanet 71862, MedGen C0854723, MeSH D058499, MONDO:0019118, HP:0000556.
Inborn genetic diseases. Identifiers: MedGen C0950123, MeSH D030342.

Allele frequency attached by ClinVar (database versions not stated): ESP Exome Variant Server 0.00015.

Submissions (6):

Ambry Genetics
Classification: Uncertain significance for Inborn genetic diseases. Last evaluated: 2025-03-22. Review status: criteria provided, single submitter. Criteria: Ambry Variant Classification Scheme 2023. Collection method: clinical testing. Allele origin: germline.

Labcorp Genetics (formerly Invitae), Labcorp
Classification: Uncertain significance. Last evaluated: 2024-12-25. Review status: criteria provided, single submitter. Criteria: Invitae Variant Classification Sherloc (09022015). Collection method: clinical testing. Allele origin: germline.
Comment: This sequence change replaces proline, which is neutral and non-polar, with arginine, which is basic and polar, at codon 422 of the AGBL5 protein (p.Pro422Arg). This variant is present in population databases (rs140111286, gnomAD 0.03%). This variant has not been reported in the literature in individuals affected with AGBL5-related conditions. ClinVar contains an entry for this variant (Variation ID: 1056886). An algorithm developed to predict the effect of missense changes on protein structure and function (PolyPhen-2) suggests that this variant is likely to be disruptive. In summary, the available evidence is currently insufficient to determine the role of this variant in disease. Therefore, it has been classified as a Variant of Uncertain Significance.

Blueprint Genetics
Classification: Uncertain significance. Last evaluated: 2024-11-15. Review status: criteria provided, single submitter. Criteria: ACMG Guidelines, 2015. Collection method: clinical testing. Allele origin: germline.

Dept Of Ophthalmology, Nagoya University
Classification: Uncertain significance for Retinal dystrophy. Last evaluated: 2023-10-01. Review status: criteria provided, single submitter. Criteria: Submitter's publication. Collection method: research. Allele origin: germline. Affected: yes.

Clinical Genetics DNA and cytogenetics Diagnostics Lab, Erasmus MC, Erasmus Medical Center
Classification: Uncertain significance. Review status: no assertion criteria provided. Collection method: clinical testing. Allele origin: germline. Affected: yes. Study: VKGL Data-share Consensus. Not counted in ClinVar's aggregate classification.

Joint Genome Diagnostic Labs from Nijmegen and Maastricht, Radboudumc and MUMC+
Classification: Uncertain significance. Review status: no assertion criteria provided. Collection method: clinical testing. Allele origin: germline. Affected: yes. Study: VKGL Data-share Consensus. Not counted in ClinVar's aggregate classification.

NM_021831.6(AGBL5):c.1265C>G (p.Pro422Arg)

Gene: AGBL5 (AGBL carboxypeptidase 5; plus strand). Cytogenetic location: 2p23.3.
Variant type: single nucleotide variant.
Coding change: c.1265C>G on transcript NM_021831.6 (MANE Select); coding-DNA position 1265, C replaced by G.
Protein change: p.Pro422Arg; replaces proline 422 with arginine.
Molecular consequence: missense variant. On other transcripts: non-coding transcript variant (2).
Genome position (GRCh38, 1-based): chr2:27,056,038, C>G. VCF-style: chr2-27056038-C-G. GRCh37 (hg19) VCF-style: chr2-27278906-C-G.
Other names: c.1265C>G, p.Pro422Arg (NM_001035507.3); c.1265C>G (NM_021831.5); short protein forms P422R.
Identifiers: ClinVar variation 1056886 (VCV001056886.12), dbSNP rs140111286, ClinGen allele CA1567826.